The following is an entry in ClinVar:

NM_001291303.3(FAT4):c.10451C>G (p.Ala3484Gly)

Gene: FAT4 (FAT atypical cadherin 4; plus strand). Cytogenetic location: 4q28.1.
Variant type: single nucleotide variant.
Coding change: c.10451C>G on transcript NM_001291303.3 (MANE Select); coding-DNA position 10451, C replaced by G.
Protein change: p.Ala3484Gly; replaces alanine 3484 with glycine.
Molecular consequence: missense variant.
Genome position (GRCh38, 1-based): chr4:125,451,461, C>G. VCF-style: chr4-125451461-C-G. GRCh37 (hg19) VCF-style: chr4-126372616-C-G.
Other names: c.10451C>G, p.Ala3484Gly (NM_001291285.3); c.10445C>G, p.Ala3482Gly (NM_024582.6); short protein forms A3482G, A3484G.
Identifiers: ClinVar variation 1062052 (VCV001062052.5), dbSNP rs2126060831, ClinGen allele CA358158667.

ClinVar aggregate classification (germline): Uncertain significance (1 of 4 stars; one submission).

Submission:

Labcorp Genetics (formerly Invitae), Labcorp
Classification: Uncertain significance. Last evaluated: 2020-12-28. Review status: criteria provided, single submitter. Criteria: Invitae Variant Classification Sherloc (09022015). Collection method: clinical testing. Allele origin: germline.
Comment: In summary, the available evidence is currently insufficient to determine the role of this variant in disease. Therefore, it has been classified as a Variant of Uncertain Significance. Advanced modeling of protein sequence and biophysical properties (such as structural, functional, and spatial information, amino acid conservation, physicochemical variation, residue mobility, and thermodynamic stability) performed at Invitae indicates that this missense variant is not expected to disrupt FAT4 protein function. This variant has not been reported in the literature in individuals with FAT4-related conditions. This variant is not present in population databases (ExAC no frequency). This sequence change replaces alanine with glycine at codon 3482 of the FAT4 protein (p.Ala3482Gly). The alanine residue is highly conserved and there is a small physicochemical difference between alanine and glycine.